The following is an entry in ClinVar:

ClinVar aggregate classification (germline): Benign/Likely benign. Review status: criteria provided, multiple submitters, no conflicts (2 of 4 stars). 17 submissions from 17 submitters: Benign (9); Likely benign (4). 4 of the submissions do not count toward it. Last evaluated 2026-09-01.

Conditions:
HYPERHOMOCYSTEINEMIA, THROMBOTIC, CBS-RELATED. Identifiers: MedGen C3150344, OMIM 236200.
Connective tissue disorder. Also called: Connective tissue disease. Identifiers: MedGen C0009782, MONDO:0003900.
Familial thoracic aortic aneurysm and aortic dissection (TAAD). Also called: Thoracic aortic aneurysms and dissections. Identifiers: Orphanet 91387, MedGen C4707243, MONDO:0019625.
Classic homocystinuria. Also called: HOMOCYSTINURIA WITH OR WITHOUT RESPONSE TO PYRIDOXINE; Homocystinuria due to CBS deficiency; Cystathionine beta-synthase deficiency; CBS deficiency; Homocystinuria due to Cystathionine Beta-Synthase Deficiency. Identifiers: Orphanet 394, MedGen C0751202, MONDO:0009352, OMIM 236200.

Allele frequency attached by ClinVar (database versions not stated): 1000 Genomes Project 0.00439; TOPMed 0.00556; ExAC 0.00581; gnomAD exomes 0.00585 and 0.00874; 1000 Genomes Project 30x 0.00593; gnomAD 0.00615; ESP Exome Variant Server 0.00684.

Submissions (17):

CeGaT Center for Human Genetics Tuebingen
Classification: Likely benign. Last evaluated: 2026-09-01. Review status: criteria provided, single submitter. Criteria: CeGaT Center For Human Genetics Tuebingen Variant Classification Criteria Version 2. Collection method: clinical testing. Allele origin: germline. Affected: yes. Observed: 26 variant alleles.
Comment: CBS: BP4, BP7, BS1

Labcorp Genetics (formerly Invitae), Labcorp
Classification: Benign for HYPERHOMOCYSTEINEMIA, THROMBOTIC, CBS-RELATED. Last evaluated: 2026-02-03. Review status: criteria provided, single submitter. Criteria: Invitae Variant Classification Sherloc (09022015). Collection method: clinical testing. Allele origin: germline.

Mayo Clinic Laboratories, Mayo Clinic
Classification: Benign. Last evaluated: 2024-12-04. Review status: criteria provided, single submitter. Criteria: ACMG Guidelines, 2015. Collection method: clinical testing. Allele origin: germline. Observed: 22 variant alleles.
Comment: BS1, BS2, BP4, BP7

Blueprint Genetics
Classification: Likely benign. Last evaluated: 2024-11-27. Review status: criteria provided, single submitter. Criteria: ACMG Guidelines, 2015. Collection method: clinical testing. Allele origin: germline.

ARUP Laboratories, Molecular Genetics and Genomics, ARUP Laboratories
Classification: Benign. Last evaluated: 2024-10-07. Review status: criteria provided, single submitter. Criteria: ARUP Molecular Germline Variant Investigation Process 2024. Collection method: clinical testing. Allele origin: germline.

Genome Diagnostics Laboratory, The Hospital for Sick Children
Classification: Benign for Connective tissue disorder. Last evaluated: 2021-12-06. Review status: criteria provided, single submitter. Criteria: ACMG Guidelines, 2015. Collection method: clinical testing. Allele origin: germline.

Women's Health and Genetics/Laboratory Corporation of America, LabCorp
Classification: Benign. Last evaluated: 2020-02-24. Review status: criteria provided, single submitter. Criteria: LabCorp Variant Classification Summary - May 2015. Collection method: clinical testing. Allele origin: germline.
Comment: Variant summary: CBS c.573G>A alters a non-conserved nucleotide resulting in a synonymous change. 4/4 computational tools predict no significant impact on normal splicing. However, these predictions have yet to be confirmed by functional studies. The variant allele was found at a frequency of 0.0059 in 248930 control chromosomes in the gnomAD database, including 12 homozygotes. The observed variant frequency is approximately 2 fold of the estimated maximal expected allele frequency for a pathogenic variant in CBS causing Homocystinuria phenotype (0.003), strongly suggesting that the variant is benign. Four ClinVar submitters (evaluation after 2014) cite the variant as benign/likely benign. Based on the evidence outlined above, the variant was classified as benign.

Illumina Laboratory Services, Illumina
Classification: Benign for Classic homocystinuria. Last evaluated: 2017-06-26. Review status: criteria provided, single submitter. Criteria: ICSL Variant Classification Criteria 13 December 2019. Collection method: clinical testing. Allele origin: germline.
Comment: This variant was observed as part of a predisposition screen in an ostensibly healthy population. A literature search was performed for the gene, cDNA change, and amino acid change (where applicable). Publications were found based on this search. The evidence from the literature, in combination with allele frequency data from public databases where available, was sufficient to rule this variant out of causing disease. Therefore, this variant is classified as benign.

Eurofins Ntd Llc (ga)
Classification: Benign. Last evaluated: 2015-02-19. Review status: criteria provided, single submitter. Criteria: EGL Classification Definitions 2015. Collection method: clinical testing. Allele origin: germline. Observed: 1 variant allele, 1 heterozygote.

Ambry Genetics
Classification: Likely benign for Familial thoracic aortic aneurysm and aortic dissection. Last evaluated: 2014-07-03. Review status: criteria provided, single submitter. Criteria: Ambry Variant Classification Scheme 2023. Collection method: clinical testing. Allele origin: germline.

Laboratory for Molecular Medicine, Mass General Brigham Personalized Medicine
Classification: Benign. Last evaluated: 2013-04-04. Review status: criteria provided, single submitter. Criteria: LMM Criteria. Collection method: clinical testing. Allele origin: germline. Observed: 1 variant allele.
Comment: Thr191Thr in exon 7 of CBS: This variant is not expected to have clinical signif icance because it does not alter an amino acid residue and is not located within the splice consensus sequence. It has been identified in 0.7% (64/8600) of Euro pean American chromosomes from a broad population by the NHLBI Exome Sequencing Project (dbSNP rs73906420).

GeneDx
Classification: Benign. Last evaluated: 2013-03-06. Review status: criteria provided, single submitter. Criteria: GeneDx Variant Classification (06012015). Collection method: clinical testing. Allele origin: germline. Affected: yes.
Comment: This variant is considered likely benign or benign based on one or more of the following criteria: it is a conservative change, it occurs at a poorly conserved position in the protein, it is predicted to be benign by multiple in silico algorithms, and/or has population frequency not consistent with disease.

Breakthrough Genomics
Classification: Likely benign. Review status: criteria provided, single submitter. Criteria: ACMG Guidelines, 2015. Collection method: not provided. Allele origin: germline. Inheritance: Autosomal recessive inheritance. Affected: yes.

Natera, Inc.
Classification: Benign for Homocystinuria due to cystathionine beta-synthase deficiency. Last evaluated: 2019-12-03. Review status: no assertion criteria provided. Collection method: clinical testing. Allele origin: germline. Not counted in ClinVar's aggregate classification.

Clinical Genetics, Academic Medical Center
Classification: Benign. Review status: no assertion criteria provided. Collection method: clinical testing. Allele origin: germline. Affected: yes. Study: VKGL Data-share Consensus. Not counted in ClinVar's aggregate classification.

Genome Diagnostics Laboratory, Amsterdam University Medical Center
Classification: Benign. Review status: no assertion criteria provided. Collection method: clinical testing. Allele origin: germline. Affected: yes. Study: VKGL Data-share Consensus. Not counted in ClinVar's aggregate classification.

Laboratory of Diagnostic Genome Analysis, Leiden University Medical Center (LUMC)
Classification: Likely benign. Review status: no assertion criteria provided. Collection method: clinical testing. Allele origin: germline. Affected: yes. Study: VKGL Data-share Consensus. Not counted in ClinVar's aggregate classification.

Literature cited by the submitters: PubMed 21957013 (cited by Illumina Laboratory Services, Illumina).

NM_000071.3(CBS):c.573G>A (p.Thr191=)

Gene: CBS (cystathionine beta-synthase; minus strand). Cytogenetic location: 21q22.3.
Variant type: single nucleotide variant.
Coding change: c.573G>A on transcript NM_000071.3 (MANE Select); coding-DNA position 573, G replaced by A.
Protein change: p.Thr191=; no amino-acid change (threonine 191 retained).
Molecular consequence: synonymous variant.
Genome position (GRCh38, 1-based): chr21:43,065,480, C>T on the plus strand (G>A on the coding strand, the complement: CBS is on the minus strand). VCF-style: chr21-43065480-C-T. GRCh37 (hg19) VCF-style: chr21-44485590-C-T.
Other names: p.T191T:ACG>ACA; p.Thr191=; c.573G>A, p.Thr191= (NM_001178008.3, NM_001178009.3, NM_001320298.2); c.258G>A, p.Thr86= (NM_001321072.1).
Identifiers: ClinVar variation 136667 (VCV000136667.84), dbSNP rs73906420, ClinGen allele CA303049.
Genomic context (GRCh38, chr21:43,065,480, plus strand): 5'-CTTCAGCCGCCAGGCCACCCCCACGTGTGACTCCGGGGAGTCGAACCTGGCATTGGTGGG[C>T]GTCCTCACAATCTCAGCCCCCAGTGCCCGCAGCACGTCCACCTGCAGGAGGGAAAGCGGT-3'
Protein context (NP_000062.1, residues 181-201): LRALGAEIVR[Thr191=]PTNARFDSPE